The following is an entry in ClinVar:

NM_001358530.2(MOCS1):c.646G>T (p.Val216Leu)

Gene: MOCS1 (molybdenum cofactor synthesis 1; minus strand). Cytogenetic location: 6p21.2.
Variant type: single nucleotide variant.
Coding change: c.646G>T on transcript NM_001358530.2 (MANE Select); coding-DNA position 646, G replaced by T.
Protein change: p.Val216Leu; replaces valine 216 with leucine.
Molecular consequence: missense variant. On other transcripts: non-coding transcript variant (1).
Genome position (GRCh38, 1-based): chr6:39,913,428, C>A on the plus strand (G>T on the coding strand, the complement: MOCS1 is on the minus strand). VCF-style: chr6-39913428-C-A. GRCh37 (hg19) VCF-style: chr6-39881172-C-A.
Other names: c.646G>T, p.Val216Leu (NM_001075098.4, NM_001358529.2, NM_005943.6); c.385G>T, p.Val129Leu (NM_001358531.2, NM_001358533.2, NM_001358534.2); short protein forms V129L, V216L.
Identifiers: ClinVar variation 2011252 (VCV002011252.4), dbSNP rs201334190, ClinGen allele CA364044094.

ClinVar aggregate classification (germline): Uncertain significance (1 of 4 stars; one submission).

Conditions:
Sulfite oxidase deficiency due to molybdenum cofactor deficiency type A. Also called: Molybdenum Cofactor Deficiency A; Molybdenum cofactor deficiency, complementation group A. Identifiers: Orphanet 308386, Orphanet 833, MedGen C1854988, MONDO:0009643, OMIM 252150.

gnomAD v4.1: 1 of 1,613,936 alleles (0.000062%); highest among the groups gnomAD compares: African/African-American, 0.0013%; no homozygotes.

Submission:

Labcorp Genetics (formerly Invitae), Labcorp
Classification: Uncertain significance for Sulfite oxidase deficiency due to molybdenum cofactor deficiency type A. Last evaluated: 2025-02-10. Review status: criteria provided, single submitter. Criteria: Invitae Variant Classification Sherloc (09022015). Collection method: clinical testing. Allele origin: germline.
Comment: This sequence change replaces valine, which is neutral and non-polar, with leucine, which is neutral and non-polar, at codon 216 of the MOCS1 protein (p.Val216Leu). This variant is not present in population databases (gnomAD no frequency). This variant has not been reported in the literature in individuals affected with MOCS1-related conditions. ClinVar contains an entry for this variant (Variation ID: 2011252). An algorithm developed to predict the effect of missense changes on protein structure and function (PolyPhen-2) suggests that this variant is likely to be tolerated. In summary, the available evidence is currently insufficient to determine the role of this variant in disease. Therefore, it has been classified as a Variant of Uncertain Significance.